The following is an entry in ClinVar:

ClinVar aggregate classification (germline): Uncertain significance (1 of 4 stars; one submission).

Conditions:
SPEN-related disorder. Also called: SPEN-related condition.

gnomAD v4.1: 2 of 1,613,750 alleles (0.00012%); highest among the groups gnomAD compares: East Asian, 0.0022%; no homozygotes.

Submission:

PreventionGenetics, part of Exact Sciences
Classification: Uncertain significance for SPEN-related condition. Last evaluated: 2025-12-07. Review status: criteria provided, single submitter. Criteria: ACMG Guidelines, 2015. Collection method: clinical testing. Allele origin: germline.
Comment: The SPEN c.9566A>G variant is predicted to result in the amino acid substitution p.Tyr3189Cys. To our knowledge, this variant has not been reported in the literature or in a large population database (gnomAD), indicating this variant is rare. At this time, the clinical significance of this variant is uncertain due to the absence of conclusive functional and genetic evidence.

NM_015001.3(SPEN):c.9566A>G (p.Tyr3189Cys)

Gene: SPEN (spen family transcriptional repressor; plus strand). Cytogenetic location: 1p36.13.
Variant type: single nucleotide variant.
Coding change: c.9566A>G on transcript NM_015001.3 (MANE Select); coding-DNA position 9566, A replaced by G.
Protein change: p.Tyr3189Cys; replaces tyrosine 3189 with cysteine.
Molecular consequence: missense variant.
Genome position (GRCh38, 1-based): chr1:15,935,806, A>G. VCF-style: chr1-15935806-A-G. GRCh37 (hg19) VCF-style: chr1-16262301-A-G.
Other names: short protein forms Y3189C.
Identifiers: ClinVar variation 4995542 (VCV004995542.1).